The following is an entry in ClinVar:

Conditions:
Breast-ovarian cancer, familial, susceptibility to, 1 (BROVCA1). Also called: BRCA1 Hereditary Breast and Ovarian Cancer; OVARIAN CANCER, SUSCEPTIBILITY TO. Identifiers: Orphanet 145, MedGen C2676676, MONDO:0011450, OMIM 604370. Disease mechanism: loss of function.

Submission:

Brotman Baty Institute, University of Washington
No classification provided (evidence only). Condition: Breast-ovarian cancer, familial 1. Review status: no classification provided. Collection method: in vitro. Allele origin: not applicable. Functional consequence: functionally_normal.
ClinVar note: "not provided" was previously submitted as the classification for the variant. However, the classification appeared to be based only on an observation of functional data so it was converted to no classification on 2025-07-30.

NM_007294.4(BRCA1):c.5449G>A (p.Glu1817Lys)

Gene: BRCA1 (BRCA1 DNA repair associated; minus strand). Cytogenetic location: 17q21.31.
Variant type: single nucleotide variant.
Coding change: c.5449G>A on transcript NM_007294.4 (MANE Select); coding-DNA position 5449, G replaced by A.
Protein change: p.Glu1817Lys; replaces glutamic acid 1817 with lysine.
Molecular consequence: missense variant. On other transcripts: non-coding transcript variant (1).
Genome position (GRCh38, 1-based): chr17:43,047,661, C>T on the plus strand (G>A on the coding strand, the complement: BRCA1 is on the minus strand). VCF-style: chr17-43047661-C-T. GRCh37 (hg19) VCF-style: chr17-41199678-C-T.
Other names: c.5236G>A, p.Glu1746Lys (NM_001407571.1, NM_001407907.1, NM_001407908.1 and 12 more transcripts); c.5515G>A, p.Glu1839Lys (NM_001407581.1, NM_001407582.1); c.5512G>A, p.Glu1838Lys (NM_001407583.1, NM_001407585.1, NM_001407587.1 and 1 more transcripts); c.5509G>A, p.Glu1837Lys (NM_001407590.1, NM_001407591.1); c.5449G>A, p.Glu1817Lys (NM_001407593.1, NM_001407594.1, NM_001407596.1 and 5 more transcripts); c.5446G>A, p.Glu1816Lys (NM_001407614.1, NM_001407615.1, NM_001407616.1 and 14 more transcripts); c.5443G>A, p.Glu1815Lys (NM_001407633.1, NM_001407634.1, NM_001407635.1 and 13 more transcripts); c.5371G>A, p.Glu1791Lys (NM_001407655.1, NM_001407652.1, NM_001407653.1 and 1 more transcripts); and 83 more; short protein forms E1838K, R688K, E1770K, E1817K, E713K, E1704K, E1705K, E1729K.
Identifiers: ClinVar variation 867396 (VCV000867396.3), dbSNP rs80356868, ClinGen allele CA10590501.